The following is an entry in ClinVar:

NM_000492.4(CFTR):c.3895del (p.Thr1299fs)

Gene: CFTR (CF transmembrane conductance regulator; plus strand). Cytogenetic location: 7q31.2.
Variant type: Deletion.
Coding change: c.3895del on transcript NM_000492.4 (MANE Select); coding-DNA position 3895, one base deleted (A; older notation c.3895delA).
Protein change: p.Thr1299fs; shifts the reading frame from threonine 1299.
Molecular consequence: frameshift variant.
Genome position (GRCh38, 1-based): chr7:117,652,863, A deleted; the last of 2 consecutive A bases (chr7:117,652,862-117,652,863); deleting either gives the same sequence. VCF-style (leftmost placement, unchanged base first): chr7-117652861-GA-G. GRCh37 (hg19) VCF-style: chr7-117292915-GA-G.
Other names: c.3895delA, p.Thr1299Hisfs (NM_000492.3); short protein forms T1299fs.
Identifiers: ClinVar variation 4818549 (VCV004818549.1).

ClinVar aggregate classification (germline): Pathogenic (1 of 4 stars; one submission).

Conditions:
CFTR-related disorder (CFTR-RD). Also called: CFTR-related disorders; CFTR-related condition. Identifiers: MedGen C5924204, MONDO:7770004.

Submission:

Natera, Inc.
Classification: Pathogenic for CFTR-related disorders. Last evaluated: 2025-12-15. Review status: criteria provided, single submitter. Criteria: Natera Variant Classification Schema (03/2026). Collection method: clinical testing. Allele origin: germline.
Comment: The c.3895del variant in CFTR is a frameshift variant predicted to shift the reading frame beginning at codon 1299 and leads to a stop codon 29 codons downstream. This variant is expected to result in nonsense mediated decay, truncation, or a dysfunctional protein product. This variant is rare in the general population with a frequency below the threshold expected for the associated phenotype(s). This variant has been observed in one or more individuals affected with the associated recessive disease, as either homozygous or compound heterozygous with a second variant (PMID: 28992757). Given the available evidence, this variant is classified as Pathogenic.

Literature cited by the submitters: PubMed 28992757.